The following is an entry in ClinVar:

ClinVar aggregate classification (germline): Uncertain significance (1 of 4 stars; one submission).

Submission:

Labcorp Genetics (formerly Invitae), Labcorp
Classification: Uncertain significance. Last evaluated: 2025-11-03. Review status: criteria provided, single submitter. Criteria: Invitae Variant Classification Sherloc (09022015). Collection method: clinical testing. Allele origin: germline.
Comment: This sequence change replaces lysine, which is basic and polar, with glutamine, which is neutral and polar, at codon 429 of the POLE protein (p.Lys429Gln). This variant is not present in population databases (gnomAD no frequency). This variant has not been reported in the literature in individuals affected with POLE-related conditions. Invitae Evidence Modeling of protein sequence and biophysical properties (such as structural, functional, and spatial information, amino acid conservation, physicochemical variation, residue mobility, and thermodynamic stability) indicates that this missense variant is not expected to disrupt POLE protein function with a negative predictive value of 80%. In summary, the available evidence is currently insufficient to determine the role of this variant in disease. Therefore, it has been classified as a Variant of Uncertain Significance.

NM_006231.4(POLE):c.1285A>C (p.Lys429Gln)

Gene: POLE (DNA polymerase epsilon, catalytic subunit; minus strand). Cytogenetic location: 12q24.33.
Variant type: single nucleotide variant.
Coding change: c.1285A>C on transcript NM_006231.4 (MANE Select); coding-DNA position 1285, A replaced by C.
Protein change: p.Lys429Gln; replaces lysine 429 with glutamine.
Molecular consequence: missense variant.
Genome position (GRCh38, 1-based): chr12:132,673,649, T>G on the plus strand (A>C on the coding strand, the complement: POLE is on the minus strand). VCF-style: chr12-132673649-T-G. GRCh37 (hg19) VCF-style: chr12-133250235-T-G.
Other names: short protein forms K429Q.
Identifiers: ClinVar variation 4744449 (VCV004744449.1).
Genomic context (GRCh38, chr12:132,673,649, plus strand): 5'-TGGCCATCCGGCACATGTCCTCCGGGTCTAGCTCCACGGGATCATAGCCTAGCTTGGCCT[T>G]GGCGGCCGCCTTGAGATTATGACTGCCCACAGGAAGGTAACTGTCCCTCTTCACCCACCT-3'
Protein context (NP_006222.2, residues 419-439): VGSHNLKAAA[Lys429Gln]AKLGYDPVEL